The following is an entry in ClinVar:

ClinVar aggregate classification (germline): Uncertain significance. Review status: criteria provided, multiple submitters, no conflicts (2 of 4 stars). 5 submissions from 5 submitters: Uncertain significance (4). 1 of the submissions does not count toward it. Last evaluated 2026-01-26.

Conditions:
Inflammatory skin and bowel disease, neonatal, 2 (NNCIS). Identifiers: Orphanet 294023, MedGen C4015130, MONDO:0014481, OMIM 616069.
Lung cancer. Also called: Lung cancer, somatic; Malignant tumor of lung. Identifiers: MedGen C0242379, MONDO:0008903, OMIM 211980.
Hereditary cancer-predisposing syndrome. Also called: Tumor predisposition; Hereditary neoplastic syndrome; Neoplastic Syndromes, Hereditary; Hereditary Cancer Syndrome. Identifiers: Orphanet 140162, MedGen C0027672, MeSH D009386, MONDO:0015356.
EGFR-related lung cancer (EGFR). Identifiers: MedGen CN130014.

Allele frequency attached by ClinVar (database versions not stated): ExAC 0.00002; gnomAD exomes 0.00006 and 0.00015; gnomAD 0.00008 and 0.00009; TOPMed 0.00012.
gnomAD v4.1: 224 of 1,613,960 alleles (0.014%); highest among the groups gnomAD compares: Non-Finnish European, 0.018%; no homozygotes.

Submissions (5):

Labcorp Genetics (formerly Invitae), Labcorp
Classification: Uncertain significance for EGFR-related lung cancer. Last evaluated: 2026-01-26. Review status: criteria provided, single submitter. Criteria: Invitae Variant Classification Sherloc (09022015). Collection method: clinical testing. Allele origin: germline.
Comment: This sequence change replaces arginine, which is basic and polar, with tryptophan, which is neutral and slightly polar, at codon 165 of the EGFR protein (p.Arg165Trp). This variant is present in population databases (rs587778252, gnomAD 0.009%). This variant has not been reported in the literature in individuals affected with EGFR-related conditions. ClinVar contains an entry for this variant (Variation ID: 134032). An algorithm developed to predict the effect of missense changes on protein structure and function (PolyPhen-2) suggests that this variant is likely to be disruptive. In summary, the available evidence is currently insufficient to determine the role of this variant in disease. Therefore, it has been classified as a Variant of Uncertain Significance.

Ambry Genetics
Classification: Uncertain significance for Hereditary cancer-predisposing syndrome. Last evaluated: 2024-12-10. Review status: criteria provided, single submitter. Criteria: Ambry Variant Classification Scheme 2023. Collection method: clinical testing. Allele origin: germline.
Comment: The p.R165W variant (also known as c.493C>T), located in coding exon 4 of the EGFR gene, results from a C to T substitution at nucleotide position 493. The arginine at codon 165 is replaced by tryptophan, an amino acid with dissimilar properties. This amino acid position is not well conserved in available vertebrate species. In addition, this alteration is predicted to be tolerated by in silico analysis. Based on the available evidence, the clinical significance of this variant remains unclear.

Fulgent Genetics
Classification: Uncertain significance for Lung cancer; Inflammatory skin and bowel disease, neonatal, 2. Last evaluated: 2024-06-11. Review status: criteria provided, single submitter. Criteria: ACMG Guidelines, 2015. Collection method: clinical testing. Allele origin: germline.

Genetic Services Laboratory, University of Chicago
Classification: Uncertain significance. Last evaluated: 2021-05-14. Review status: criteria provided, single submitter. Criteria: ACMG Guidelines, 2015. Collection method: clinical testing. Allele origin: germline. Affected: no.
Comment: DNA sequence analysis of the EGFR gene demonstrated a sequence change, c.493C>T, in exon 4 that results in an amino acid change, p.Arg165Trp. This sequence change does not appear to have been previously described in individuals with EGFR-related disorders. This sequence change has been described in the gnomAD database with a low frequency of 0.009% in the non-Finnish European subpopulation (dbSNP rs587778252). The p.Arg165Trp change affects a poorly conserved amino acid residue located in a domain of the EGFR protein that is known to be functional. In-silico pathogenicity prediction tools (SIFT, PolyPhen2, Align GVGD, REVEL) provide contradictory results for the p.Arg165Trp substitution. Due to these contrasting evidences and the lack of functional studies, the clinical significance of the p.Arg165Trp change remains unknown at this time.

ITMI
No classification provided. Condition: AllHighlyPenetrant. Last evaluated: 2013-09-19. Review status: no classification provided. Collection method: reference population. Allele origin: germline. Not counted in ClinVar's aggregate classification.
Comment: Please see associated publication for description of ethnicities

Literature cited by the submitters: PubMed 24728327 (cited by ITMI).

NM_005228.5(EGFR):c.493C>T (p.Arg165Trp)

Gene: EGFR (epidermal growth factor receptor; plus strand). Cytogenetic location: 7p11.2.
Variant type: single nucleotide variant.
Coding change: c.493C>T on transcript NM_005228.5 (MANE Select); coding-DNA position 493, C replaced by T.
Protein change: p.Arg165Trp; replaces arginine 165 with tryptophan.
Molecular consequence: missense variant. On other transcripts: intron variant (3).
Genome position (GRCh38, 1-based): chr7:55,146,674, C>T. VCF-style: chr7-55146674-C-T. GRCh37 (hg19) VCF-style: chr7-55214367-C-T.
Other names: c.493C>T, p.Arg165Trp (NM_001346898.2, NM_201282.2, NM_201283.2 and 1 more transcripts); c.334C>T, p.Arg112Trp (NM_001346900.2); c.424+3186C>T (NM_001346899.2, NM_001346897.2); c.89-9156C>T (NM_001346941.2); short protein forms R165W, R112W.
Identifiers: ClinVar variation 134032 (VCV000134032.14), dbSNP rs587778252, ClinGen allele CA158474.